The following is an entry in ClinVar:

NM_201384.3(PLEC):c.11164C>T (p.Leu3722=)

Gene: PLEC (plectin; minus strand). Cytogenetic location: 8q24.3.
Variant type: single nucleotide variant.
Coding change: c.11164C>T on transcript NM_201384.3 (MANE Select); coding-DNA position 11164, C replaced by T.
Protein change: p.Leu3722=; no amino-acid change (leucine 3722 retained).
Molecular consequence: synonymous variant.
Genome position (GRCh38, 1-based): chr8:143,918,657, G>A on the plus strand (C>T on the coding strand, the complement: PLEC is on the minus strand). VCF-style: chr8-143918657-G-A. GRCh37 (hg19) VCF-style: chr8-144992825-G-A.
Other names: p.Leu3708=; c.11245C>T, p.Leu3749= (NM_000445.5); c.11122C>T, p.Leu3708= (NM_201378.4); c.11098C>T, p.Leu3700= (NM_201379.3); c.11575C>T, p.Leu3859= (NM_201380.4); c.11068C>T, p.Leu3690= (NM_201381.3); c.11164C>T, p.Leu3722= (NM_201382.4); c.11176C>T, p.Leu3726= (NM_201383.3).
Identifiers: ClinVar variation 282313 (VCV000282313.17), dbSNP rs375598997, ClinGen allele CA4924416.
Genomic context (GRCh38, chr8:143,918,657, plus strand): 5'-GCCGCTCCCCCTTCACCGGGTCCAGCAGGAAGCCTGTGGCTGCCTGTGCCTCCAGCAGCA[G>A]GCGGGCCACCTCGGCACTCAGCAGCCCTTTCTTGAGAGCCTGGTAGATGCTCAGTGTCTG-3'
Protein context (NP_958786.1, residues 3712-3732): KGLLSAEVAR[Leu3722=]LLEAQAATGF

ClinVar aggregate classification (germline): Conflicting classifications of pathogenicity. Review status: criteria provided, conflicting classifications (1 of 4 stars). 4 submissions from 4 submitters: Uncertain significance (1); Benign (1); Likely benign (2). Last evaluated 2026-03-24.

Conditions:
PLEC-related disorder. Also called: PLEC-related disorders; PLEC-related condition.
Epidermolysis bullosa simplex with nail dystrophy (EBS5D). Identifiers: MedGen C4225309, MONDO:0014661, OMIM 616487.
Autosomal recessive limb-girdle muscular dystrophy type 2Q (LGMDR17). Also called: MUSCULAR DYSTROPHY, LIMB-GIRDLE, AUTOSOMAL RECESSIVE 17. Identifiers: Orphanet 254361, MedGen C3150989, MONDO:0013390, OMIM 613723.
Epidermolysis bullosa simplex 5C, with pyloric atresia (EBS5C). Also called: PLEC-Related Epidermolysis Bullosa with Pyloric Atresia; Epidermolysis bullosa simplex with pyloric atresia; PLEC1-Related Epidermolysis Bullosa with Pyloric Atresia. Identifiers: Orphanet 158684, MedGen C2677349, MONDO:0012807, OMIM 612138.
Epidermolysis bullosa simplex 5B, with muscular dystrophy (EBS5B). Also called: EPIDERMOLYSIS BULLOSA SIMPLEX AND LIMB-GIRDLE MUSCULAR DYSTROPHY; Epidermolysis bullosa simplex with muscular dystrophy. Identifiers: Orphanet 257, MedGen C2931072, MONDO:0009181, OMIM 226670.
Epidermolysis bullosa simplex, Ogna type (EBS5A). Also called: Pidermolysis bullosa simplex 5A, Ogna type; EPIDERMOLYSIS BULLOSA SIMPLEX 5A, OGNA TYPE. Identifiers: Orphanet 79401, MedGen C0432317, MONDO:0007555, OMIM 131950.

Allele frequency attached by ClinVar (database versions not stated): ExAC 0.00012; gnomAD exomes 0.00013; 1000 Genomes Project 30x 0.00016; ESP Exome Variant Server 0.00043; gnomAD 0.00044 and 0.00049; TOPMed 0.00050.

Submissions (4):

PreventionGenetics, part of Exact Sciences
Classification: Likely benign for PLEC-related condition. Last evaluated: 2026-03-24. Review status: criteria provided, single submitter. Criteria: ACMG Guidelines, 2015. Collection method: clinical testing. Allele origin: germline.
Comment: This variant is classified as likely benign based on ACMG/AMP sequence variant interpretation guidelines (Richards et al. 2015 PMID: 25741868, with internal and published modifications).

Labcorp Genetics (formerly Invitae), Labcorp
Classification: Benign for Autosomal recessive limb-girdle muscular dystrophy type 2Q; Epidermolysis bullosa simplex, Ogna type; Epidermolysis bullosa simplex with nail dystrophy; Epidermolysis bullosa simplex 5C, with pyloric atresia; Epidermolysis bullosa simplex 5B, with muscular dystrophy. Last evaluated: 2026-02-01. Review status: criteria provided, single submitter. Criteria: Invitae Variant Classification Sherloc (09022015). Collection method: clinical testing. Allele origin: germline.

Mayo Clinic Laboratories, Mayo Clinic
Classification: Likely benign. Last evaluated: 2025-06-10. Review status: criteria provided, single submitter. Criteria: ACMG Guidelines, 2015. Collection method: clinical testing. Allele origin: germline. Observed: 3 variant alleles.
Comment: BP4, BP7

Eurofins Ntd Llc (ga)
Classification: Uncertain significance. Last evaluated: 2018-03-13. Review status: criteria provided, single submitter. Criteria: EGL ClinVar v180209 classification definitions. Collection method: clinical testing. Allele origin: germline. Observed: 2 variant alleles, 2 heterozygotes.